The following is an entry in ClinVar:

ClinVar aggregate classification (germline): Conflicting classifications of pathogenicity. Review status: criteria provided, conflicting classifications (1 of 4 stars). 4 submissions from 4 submitters: Uncertain significance (3); Likely benign (1). Last evaluated 2025-04-23.

Conditions:
Ullrich congenital muscular dystrophy 1A. Also called: Ullrich congenital muscular dystrophy 1; Intermediate COL6-RD. Identifiers: Orphanet 75840, MedGen C0410179, MONDO:0009681, OMIM 254090.
Bethlem myopathy 1A. Also called: MYOPATHY, BENIGN CONGENITAL, WITH CONTRACTURES; Bethlem myopathy 1; Bethlem Muscular Dystrophy. Identifiers: Orphanet 610, MedGen CN029274, MONDO:0024530, OMIM 158810.

Allele frequency attached by ClinVar (database versions not stated): gnomAD 0.00001.
gnomAD v4.1: 13 of 1,604,684 alleles (0.00081%); highest among the groups gnomAD compares: East Asian, 0.0022%; no homozygotes.

Submissions (4):

Labcorp Genetics (formerly Invitae), Labcorp
Classification: Likely benign for Bethlem myopathy 1A. Last evaluated: 2025-04-23. Review status: criteria provided, single submitter. Criteria: Invitae Variant Classification Sherloc (09022015). Collection method: clinical testing. Allele origin: germline.

CeGaT Center for Human Genetics Tuebingen
Classification: Uncertain significance. Last evaluated: 2021-04-01. Review status: criteria provided, single submitter. Criteria: CeGaT Center For Human Genetics Tuebingen Variant Classification Criteria Version 2. Collection method: clinical testing. Allele origin: germline. Affected: yes. Observed: 1 variant allele.

Revvity Omics, Revvity
Classification: Uncertain significance. Last evaluated: 2019-08-14. Review status: criteria provided, single submitter. Criteria: ACMG Guidelines, 2015. Collection method: clinical testing. Allele origin: germline.

Centre for Mendelian Genomics, University Medical Centre Ljubljana
Classification: Uncertain significance for Ullrich congenital muscular dystrophy 1A. Last evaluated: 2018-10-08. Review status: criteria provided, single submitter. Criteria: ACMG Guidelines, 2015. Collection method: clinical testing. Allele origin: unknown. Affected: yes.
Comment: This variant was classified as: Uncertain significance. The available evidence on this variant's pathogenicity is insufficient or conflicting. The following ACMG criteria were applied in classifying this variant: BP5.

NM_001848.3(COL6A1):c.2518G>A (p.Val840Met)

Gene: COL6A1 (collagen type VI alpha 1 chain; plus strand). Cytogenetic location: 21q22.3.
Variant type: single nucleotide variant.
Coding change: c.2518G>A on transcript NM_001848.3 (MANE Select); coding-DNA position 2518, G replaced by A.
Protein change: p.Val840Met; replaces valine 840 with methionine.
Molecular consequence: missense variant.
Genome position (GRCh38, 1-based): chr21:46,003,444, G>A. VCF-style: chr21-46003444-G-A. GRCh37 (hg19) VCF-style: chr21-47423358-G-A.
Other names: short protein forms V840M.
Identifiers: ClinVar variation 649663 (VCV000649663.47), dbSNP rs751124572, ClinGen allele CA410539295.